The following is an entry in ClinVar:

ClinVar aggregate classification (germline): Pathogenic/Likely pathogenic. Review status: criteria provided, multiple submitters, no conflicts (2 of 4 stars). 2 submissions from 2 submitters: Pathogenic (1); Likely pathogenic (1). Last evaluated 2024-09-14.

Conditions:
ADSL-related disorder. Also called: ADSL-related condition.
Adenylosuccinate lyase deficiency (ADSLD). Also called: ADSL DEFICIENCY. Identifiers: Orphanet 46, MedGen C0268126, MONDO:0007068, OMIM 103050.

Allele frequency attached by ClinVar (database versions not stated): gnomAD 0.00001; gnomAD exomes 0.00001 and 0.00002; TOPMed 0.00001; ExAC 0.00002.
gnomAD v4.1: 13 of 1,613,972 alleles (0.00081%); highest among the groups gnomAD compares: Middle Eastern, 0.016%; no homozygotes.

Submissions (2):

Blueprint Genetics
Classification: Pathogenic for ADSL-related disorders. Last evaluated: 2024-09-14. Review status: criteria provided, single submitter. Criteria: ACMG Guidelines, 2015. Collection method: clinical testing. Allele origin: germline. Affected: yes. Observed: 2 variant alleles.

Labcorp Genetics (formerly Invitae), Labcorp
Classification: Likely pathogenic for Adenylosuccinate lyase deficiency. Last evaluated: 2024-03-11. Review status: criteria provided, single submitter. Criteria: Invitae Variant Classification Sherloc (09022015). Collection method: clinical testing. Allele origin: germline.
Comment: This sequence change replaces aspartic acid, which is acidic and polar, with asparagine, which is neutral and polar, at codon 430 of the ADSL protein (p.Asp430Asn). This variant is present in population databases (rs554254383, gnomAD 0.003%). This missense change has been observed in individual(s) with adenylosuccinate lyase (ADSL) deficiency (PMID: 9165520, 20127976, 29314763, 33648541, 34791078). In at least one individual the data is consistent with being in trans (on the opposite chromosome) from a pathogenic variant. ClinVar contains an entry for this variant (Variation ID: 1474151). Advanced modeling of protein sequence and biophysical properties (such as structural, functional, and spatial information, amino acid conservation, physicochemical variation, residue mobility, and thermodynamic stability) performed at Invitae indicates that this missense variant is not expected to disrupt ADSL protein function with a negative predictive value of 80%. Experimental studies are conflicting or provide insufficient evidence to determine the effect of this variant on ADSL function (PMID: 10888601, 20127976). In summary, the currently available evidence indicates that the variant is pathogenic, but additional data are needed to prove that conclusively. Therefore, this variant has been classified as Likely Pathogenic.

Literature cited by the submitters: PubMed 9165520 (cited by Labcorp Genetics (formerly Invitae), Labcorp); PubMed 20127976 (cited by Labcorp Genetics (formerly Invitae), Labcorp); PubMed 29314763 (cited by Labcorp Genetics (formerly Invitae), Labcorp); PubMed 33648541 (cited by Labcorp Genetics (formerly Invitae), Labcorp); PubMed 34791078 (cited by Labcorp Genetics (formerly Invitae), Labcorp); PubMed 10888601 (cited by Labcorp Genetics (formerly Invitae), Labcorp).

NM_000026.4(ADSL):c.1288G>A (p.Asp430Asn)

Gene: ADSL (adenylosuccinate lyase; plus strand). Cytogenetic location: 22q13.1.
Variant type: single nucleotide variant.
Coding change: c.1288G>A on transcript NM_000026.4 (MANE Select); coding-DNA position 1288, G replaced by A.
Protein change: p.Asp430Asn; replaces aspartic acid 430 with asparagine.
Molecular consequence: missense variant. On other transcripts: non-coding transcript variant (1), intron variant (1).
Genome position (GRCh38, 1-based): chr22:40,364,976, G>A. VCF-style: chr22-40364976-G-A. GRCh37 (hg19) VCF-style: chr22-40760980-G-A.
Other names: c.1096G>A, p.Asp366Asn (NM_001317923.2); c.1288G>A, p.Asp430Asn (NM_001363840.3); c.1191+611G>A (NM_001123378.3); short protein forms D430N, D366N.
Identifiers: ClinVar variation 1474151 (VCV001474151.9), dbSNP rs554254383, ClinGen allele CA313117.